The following is an entry in ClinVar:

NM_016507.4(CDK12):c.47G>A (p.Gly16Glu)

Genes: CDK12 (cyclin dependent kinase 12; plus strand), LOC126862553 (CDK7 strongly-dependent group 2 enhancer GRCh37_chr17:37618166-37619365; plus strand). Cytogenetic location: 17q12.
Variant type: single nucleotide variant.
Coding change: c.47G>A on transcript NM_016507.4 (MANE Select); coding-DNA position 47, G replaced by A.
Protein change: p.Gly16Glu; replaces glycine 16 with glutamic acid.
Molecular consequence: missense variant.
Genome position (GRCh38, 1-based): chr17:39,462,118, G>A. VCF-style: chr17-39462118-G-A. GRCh37 (hg19) VCF-style: chr17-37618371-G-A.
Other names: c.47G>A, p.Gly16Glu (NM_015083.4); short protein forms G16E.
Identifiers: ClinVar variation 4825952 (VCV004825952.1).

ClinVar aggregate classification (germline): Uncertain significance (1 of 4 stars; one submission).

gnomAD v4.1: 1 of 1,614,048 alleles (0.000062%); highest among the groups gnomAD compares: Admixed American, 0.0017%; no homozygotes.

Submission:

Ambry Genetics
Classification: Uncertain significance. Last evaluated: 2026-03-09. Review status: criteria provided, single submitter. Criteria: Ambry Variant Classification Scheme 2023. Collection method: clinical testing. Allele origin: germline.
Comment: The p.G16E variant (also known as c.47G>A), located in coding exon 1 of the CDK12 gene, results from a G to A substitution at nucleotide position 47. The glycine at codon 16 is replaced by glutamic acid, an amino acid with similar properties. This amino acid position is conserved. In addition, this alteration is predicted to be tolerated by in silico analysis. Based on the available evidence, the clinical significance of this variant remains unclear.